The following is an entry in ClinVar:

NM_000836.4(GRIN2D):c.263C>T (p.Ala88Val)

Gene: GRIN2D (glutamate ionotropic receptor NMDA type subunit 2D; plus strand). Cytogenetic location: 19q13.33.
Variant type: single nucleotide variant.
Coding change: c.263C>T on transcript NM_000836.4 (MANE Select); coding-DNA position 263, C replaced by T.
Protein change: p.Ala88Val; replaces alanine 88 with valine.
Molecular consequence: missense variant.
Genome position (GRCh38, 1-based): chr19:48,398,655, C>T. VCF-style: chr19-48398655-C-T. GRCh37 (hg19) VCF-style: chr19-48901912-C-T.
Other names: short protein forms A88V.
Identifiers: ClinVar variation 1319388 (VCV001319388.8), dbSNP rs1406326967, ClinGen allele CA406688737.

ClinVar aggregate classification (germline): Uncertain significance. Review status: criteria provided, multiple submitters, no conflicts (2 of 4 stars). 2 submissions from 2 submitters: Uncertain significance (2). Last evaluated 2021-12-03.

Allele frequency attached by ClinVar (database versions not stated): gnomAD 0.00001; TOPMed 0.00002.
gnomAD v4.1: 8 of 1,441,700 alleles (0.00055%); highest among the groups gnomAD compares: African/African-American, 0.0015%; no homozygotes.

Submissions (2):

Labcorp Genetics (formerly Invitae), Labcorp
Classification: Uncertain significance. Last evaluated: 2021-12-03. Review status: criteria provided, single submitter. Criteria: Invitae Variant Classification Sherloc (09022015). Collection method: clinical testing. Allele origin: germline.
Comment: This sequence change replaces alanine, which is neutral and non-polar, with valine, which is neutral and non-polar, at codon 88 of the GRIN2D protein (p.Ala88Val). This variant is present in population databases (no rsID available, gnomAD 0.007%). This variant has not been reported in the literature in individuals affected with GRIN2D-related conditions. ClinVar contains an entry for this variant (Variation ID: 1319388). Advanced modeling of protein sequence and biophysical properties (such as structural, functional, and spatial information, amino acid conservation, physicochemical variation, residue mobility, and thermodynamic stability) performed at Invitae indicates that this missense variant is not expected to disrupt GRIN2D protein function. In summary, the available evidence is currently insufficient to determine the role of this variant in disease. Therefore, it has been classified as a Variant of Uncertain Significance.

Institute for Clinical Genetics, University Hospital TU Dresden, University Hospital TU Dresden
Classification: Uncertain significance. Last evaluated: 2021-11-03. Review status: criteria provided, single submitter. Criteria: ACMG Guidelines, 2015. Collection method: clinical testing. Allele origin: germline.